The following is an entry in ClinVar:

NM_012472.6(DNAAF11):c.47A>G (p.Asn16Ser)

Gene: DNAAF11 (dynein axonemal assembly factor 11; minus strand). Cytogenetic location: 8q24.22.
Variant type: single nucleotide variant.
Coding change: c.47A>G on transcript NM_012472.6 (MANE Select); coding-DNA position 47, A replaced by G.
Protein change: p.Asn16Ser; replaces asparagine 16 with serine.
Molecular consequence: missense variant. On other transcripts: 5 prime UTR variant (4), non-coding transcript variant (7), intron variant (1).
Genome position (GRCh38, 1-based): chr8:132,661,591, T>C on the plus strand (A>G on the coding strand, the complement: DNAAF11 is on the minus strand). VCF-style: chr8-132661591-T-C. GRCh37 (hg19) VCF-style: chr8-133673837-T-C.
Other names: c.47A>G, p.Asn16Ser (NM_001321961.2); c.-314A>G (NM_001321963.2, NM_001321964.2, NM_001321966.2); c.-627A>G (NM_001321965.2); c.10+13893A>G (NM_001321962.2); short protein forms N16S.
Identifiers: ClinVar variation 4241735 (VCV004241735.1).
Genomic context (GRCh38, chr8:132,661,591, plus strand): 5'-AGTCTTTCTATTTCTTGCTGATGCAACGAGAGTTCCTCCAGGGAAAAAATGACACAGTCG[T>C]TGTGTTCAGCATTCCGTCTAATAAGATCTTCTGTGACTGGAAGAAAATGTGTTACATATT-3'
Protein context (NP_036604.2, residues 6-26): EDLIRRNAEH[Asn16Ser]DCVIFSLEEL

ClinVar aggregate classification (germline): Uncertain significance (1 of 4 stars; one submission).

Conditions:
Primary ciliary dyskinesia. Also called: Ciliary dyskinesia. Identifiers: Orphanet 244, MedGen C0008780, MONDO:0016575, HP:0012265.

gnomAD v4.1: 4 of 1,614,154 alleles (0.00025%); highest among the groups gnomAD compares: Non-Finnish European, 0.00034%; no homozygotes.

Submission:

Ambry Genetics
Classification: Uncertain significance for Primary ciliary dyskinesia. Last evaluated: 2025-07-06. Review status: criteria provided, single submitter. Criteria: Ambry Variant Classification Scheme 2023. Collection method: clinical testing. Allele origin: germline.
Comment: The p.N16S variant (also known as c.47A>G), located in coding exon 2 of the LRRC6 gene, results from an A to G substitution at nucleotide position 47. The asparagine at codon 16 is replaced by serine, an amino acid with highly similar properties. This amino acid position is conserved. In addition, this alteration is predicted to be tolerated by in silico analysis. Based on the available evidence, the clinical significance of this variant remains unclear.